The following is an entry in ClinVar:

ClinVar aggregate classification (germline): Uncertain significance. Review status: criteria provided, multiple submitters, no conflicts (2 of 4 stars). 3 submissions from 3 submitters: Uncertain significance (3). Last evaluated 2025-08-22.

Conditions:
Hereditary cancer-predisposing syndrome. Also called: Hereditary Cancer Syndrome; Neoplastic Syndromes, Hereditary; Hereditary neoplastic syndrome; Tumor predisposition. Identifiers: Orphanet 140162, MedGen C0027672, MeSH D009386, MONDO:0015356.
DICER1-related tumor predisposition. Also called: DICER1-related pleuropulmonary blastoma cancer predisposition syndrome; DICER1 syndrome. Identifiers: Orphanet 284343, MedGen C3839822, MONDO:0100216.

Allele frequency attached by ClinVar (database versions not stated): gnomAD exomes below 0.00001; TOPMed below 0.00001.
gnomAD v4.1: 1 of 1,613,994 alleles (0.000062%); highest among the groups gnomAD compares: Admixed American, 0.0017%; no homozygotes.

Submissions (3):

Labcorp Genetics (formerly Invitae), Labcorp
Classification: Uncertain significance for DICER1-related tumor predisposition. Last evaluated: 2025-08-22. Review status: criteria provided, single submitter. Criteria: Invitae Variant Classification Sherloc (09022015). Collection method: clinical testing. Allele origin: germline.
Comment: This sequence change replaces glutamic acid, which is acidic and polar, with glycine, which is neutral and non-polar, at codon 470 of the DICER1 protein (p.Glu470Gly). This variant is not present in population databases (gnomAD no frequency). This variant has not been reported in the literature in individuals affected with DICER1-related conditions. ClinVar contains an entry for this variant (Variation ID: 819138). Invitae Evidence Modeling of protein sequence and biophysical properties (such as structural, functional, and spatial information, amino acid conservation, physicochemical variation, residue mobility, and thermodynamic stability) indicates that this missense variant is not expected to disrupt DICER1 protein function with a negative predictive value of 95%. In summary, the available evidence is currently insufficient to determine the role of this variant in disease. Therefore, it has been classified as a Variant of Uncertain Significance.

Ambry Genetics
Classification: Uncertain significance for Hereditary cancer-predisposing syndrome. Last evaluated: 2025-08-07. Review status: criteria provided, single submitter. Criteria: Ambry Variant Classification Scheme 2023. Collection method: clinical testing. Allele origin: germline.
Comment: The p.E470G variant (also known as c.1409A>G), located in coding exon 8 of the DICER1 gene, results from an A to G substitution at nucleotide position 1409. The glutamic acid at codon 470 is replaced by glycine, an amino acid with similar properties. This amino acid position is highly conserved in available vertebrate species. In addition, the in silico prediction for this alteration is inconclusive. Since supporting evidence is limited at this time, the clinical significance of this alteration remains unclear.

Hereditary Cancer Group, L’Institut d'Investigació Biomèdica de Bellvitge
Classification: Uncertain significance for Hereditary cancer-predisposing syndrome. Last evaluated: 2024-12-19. Review status: criteria provided, single submitter. Criteria: Hatton et al. (Hum Mutat. 2023). Collection method: clinical testing. Allele origin: germline. Inheritance: Autosomal dominant inheritance. Affected: yes.
Comment: PM2_supporting, BP4

NM_177438.3(DICER1):c.1409A>G (p.Glu470Gly)

Gene: DICER1 (dicer 1, ribonuclease III; minus strand). Cytogenetic location: 14q32.13.
Variant type: single nucleotide variant.
Coding change: c.1409A>G on transcript NM_177438.3 (MANE Select); coding-DNA position 1409, A replaced by G.
Protein change: p.Glu470Gly; replaces glutamic acid 470 with glycine.
Molecular consequence: missense variant.
Genome position (GRCh38, 1-based): chr14:95,117,722, T>C on the plus strand (A>G on the coding strand, the complement: DICER1 is on the minus strand). VCF-style: chr14-95117722-T-C. GRCh37 (hg19) VCF-style: chr14-95584059-T-C.
Other names: c.1409A>G, p.Glu470Gly (NM_001195573.1, NM_001271282.3, NM_001291628.2 and 1 more transcripts); short protein forms E470G.
Identifiers: ClinVar variation 819138 (VCV000819138.14), dbSNP rs1595415650, ClinGen allele CA390885633.